The following is an entry in ClinVar:

NM_003361.4(UMOD):c.175G>T (p.Asp59Tyr)

Gene: UMOD (uromodulin; minus strand). Cytogenetic location: 16p12.3.
Variant type: single nucleotide variant.
Coding change: c.175G>T on transcript NM_003361.4 (MANE Select); coding-DNA position 175, G replaced by T.
Protein change: p.Asp59Tyr; replaces aspartic acid 59 with tyrosine.
Molecular consequence: missense variant. On other transcripts: non-coding transcript variant (1).
Genome position (GRCh38, 1-based): chr16:20,349,126, C>A on the plus strand (G>T on the coding strand, the complement: UMOD is on the minus strand). VCF-style: chr16-20349126-C-A. GRCh37 (hg19) VCF-style: chr16-20360448-C-A.
Other names: c.175G>T, p.Asp59Tyr (NM_001008389.3, NM_001378232.1, NM_001378233.1 and 3 more transcripts); c.274G>T, p.Asp92Tyr (NM_001278614.2); short protein forms D59Y, D92Y.
Identifiers: ClinVar variation 2444311 (VCV002444311.3), dbSNP rs2507391033, ClinGen allele CA394987722.
Genomic context (GRCh38, chr16:20,349,126, plus strand): 5'-CGGAGCAGTTGTGAGCTCCAGGAATGGCGCACTCATCCAGGTCCACGCAGGTCAGGCCAT[C>A]GCCGGTGAAGCCCTCCTGACAGGTGCACGTCGTAACGGCCTCATCCTCCGTGCAGGTGGC-3'
Protein context (NP_003352.2, residues 49-69): TCTCQEGFTG[Asp59Tyr]GLTCVDLDEC

ClinVar aggregate classification (germline): Conflicting classifications of pathogenicity. Review status: criteria provided, conflicting classifications (1 of 4 stars). 2 submissions from 2 submitters: Likely pathogenic (1); Uncertain significance (1). Last evaluated 2025-12-03.

Conditions:
Familial juvenile hyperuricemic nephropathy type 1 (ADTKD1). Also called: Autosomal Dominant Tubulointerstitial Kidney Disease – UMOD; UMOD-Associated Kidney Disease; Uromodulin-associated kidney disease; Glomerulocystic kidney disease with hyperuricemia and isosthenuria; Medullary cystic kidney disease 2. Identifiers: Orphanet 209886, Orphanet 34149, Orphanet 88950, MedGen C4551496, MONDO:0008073, OMIM 162000.

Submissions (2):

Victorian Clinical Genetics Services, Murdoch Childrens Research Institute
Classification: Uncertain significance for Familial juvenile hyperuricemic nephropathy type 1. Last evaluated: 2025-12-03. Review status: criteria provided, single submitter. Criteria: ACMG Guidelines, 2015. Collection method: clinical testing. Allele origin: germline. Affected: yes.
Comment: This variant is classified as VUS-3A. Evidence in support of pathogenic classification: Variant is absent from gnomAD (v2, v3 and v4); This variant has moderate previous evidence of pathogenicity in unrelated individuals. This variant has been classified as likely pathogenic by a clinical laboratory in ClinVar. Additionally, it has been reported in the literature in seven individuals from two families with end-stage kidney disease (PMID: 32954071); Other missense variant(s) comparable to the one identified in this case have limited previous evidence for pathogenicity. p.(Asp59Ala) has been reported in the literature in two related individuals with end-stage renal failure (PMID: 14569098, 32954071). Additionally, p.(Asp59Gly) has been classified as a VUS by a clinical laboratory in ClinVar. Additional information: Variant is predicted to result in a missense amino acid change from Asp to Tyr; This variant is heterozygous; This gene is associated with autosomal dominant disease; Alternative amino acid change(s) at the same position are present in gnomAD (v4: 1 heterozygote(s), 0 homozygote(s)); No published functional evidence has been identified for this variant; Variant is located in the annotated EGF domain (DECIPHER); Missense variant with inconclusive in silico prediction and/or uninformative conservation; Dominant negative is a known mechanism of disease in this gene and is associated with autosomal dominant tubulointerstitial kidney disease 1 (MIM#162000) (PMID: 22117067); Variants in this gene are known to have variable expressivity. Intrafamilial variability has been described (PMID: 21868615); Inheritance information for this variant is not currently available in this individual.

3billion
Classification: Likely pathogenic for Familial juvenile hyperuricemic nephropathy type 1. Last evaluated: 2024-08-01. Review status: criteria provided, single submitter. Criteria: ACMG Guidelines, 2015. Collection method: clinical testing. Allele origin: germline. Affected: yes.
Comment: The variant is not observed in the gnomAD v4.0.0 dataset. Predicted Consequence/Location: Missense changes are a common disease-causing mechanism. In silico tool predictions suggest damaging effect of the variant on gene or gene product [REVEL: 0.64 (>=0.6, sensitivity 0.68 and specificity 0.92); 3Cnet: 0.98 (>=0.6, sensitivity 0.72 and precision 0.9)]. The same nucleotide change resulting in the same amino acid change has been previously reported to be associated with UMOD related disorder (PMID: 32954071 /3billion dataset).A different missense change at the same codon (p.Asp59Ala) has been reported to be associated with UMOD related disorder (PMID: 14569098). Therefore, this variant is classified as Likely pathogenic according to the recommendation of ACMG/AMP guideline.

Literature cited by the submitters: PubMed 14569098 (cited by Victorian Clinical Genetics Services, Murdoch Childrens Research Institute and 3billion); PubMed 21868615 (cited by Victorian Clinical Genetics Services, Murdoch Childrens Research Institute); PubMed 22117067 (cited by Victorian Clinical Genetics Services, Murdoch Childrens Research Institute); PubMed 32954071 (cited by Victorian Clinical Genetics Services, Murdoch Childrens Research Institute and 3billion).